The following is an entry in ClinVar:

NM_139315.3(TAF6):c.1769C>A (p.Thr590Asn)

Genes: AP4M1 (adaptor related protein complex 4 subunit mu 1; plus strand), TAF6 (TATA-box binding protein associated factor 6; minus strand). Cytogenetic location: 7q22.1.
Variant type: single nucleotide variant.
Coding change: c.1769C>A on transcript NM_139315.3 (MANE Select); coding-DNA position 1769, C replaced by A.
Protein change: p.Thr590Asn; replaces threonine 590 with asparagine.
Molecular consequence: missense variant. On other transcripts: non-coding transcript variant (1), 3 prime UTR variant (2).
Genome position (GRCh38, 1-based): chr7:100,107,511, G>T on the plus strand (C>A on the coding strand, the complement: TAF6 is on the minus strand). VCF-style: chr7-100107511-G-T. GRCh37 (hg19) VCF-style: chr7-99705134-G-T.
Other names: c.1880C>A, p.Thr627Asn (NM_001190415.2); c.1769C>A, p.Thr590Asn (NM_001364998.1, NM_001364999.1, NM_005641.4); c.1739C>A, p.Thr580Asn (NM_001365000.1, NM_001365001.1, NM_001365002.1 and 1 more transcripts); c.1907C>A, p.Thr636Asn (NM_001365004.1); c.*629G>T (NM_001363671.2, NM_004722.4); short protein forms T590N, T636N, T580N, T627N.
Identifiers: ClinVar variation 1030002 (VCV001030002.4), dbSNP rs138114559, ClinGen allele CA4375163.

ClinVar aggregate classification (germline): Uncertain significance. Review status: criteria provided, multiple submitters, no conflicts (2 of 4 stars). 3 submissions from 3 submitters: Uncertain significance (3). Last evaluated 2025-04-04.

Conditions:
Inborn genetic diseases. Identifiers: MedGen C0950123, MeSH D030342.
Alazami-Yuan syndrome (ALYUS). Identifiers: Orphanet 694946, MedGen C4310702, MONDO:0014931, OMIM 617126.

Allele frequency attached by ClinVar (database versions not stated): TOPMed 0.00018; gnomAD 0.00019 and 0.00021; ExAC 0.00010; ESP Exome Variant Server 0.00038.
gnomAD v4.1: 769 of 1,614,048 alleles (0.048%); highest among the groups gnomAD compares: Non-Finnish European, 0.063%; 1 homozygote.

Submissions (3):

Ambry Genetics
Classification: Uncertain significance for Inborn genetic diseases. Last evaluated: 2025-04-04. Review status: criteria provided, single submitter. Criteria: Ambry Variant Classification Scheme 2023. Collection method: clinical testing. Allele origin: germline.

Labcorp Genetics (formerly Invitae), Labcorp
Classification: Uncertain significance. Last evaluated: 2022-07-29. Review status: criteria provided, single submitter. Criteria: Invitae Variant Classification Sherloc (09022015). Collection method: clinical testing. Allele origin: germline.
Comment: This sequence change replaces threonine, which is neutral and polar, with asparagine, which is neutral and polar, at codon 590 of the TAF6 protein (p.Thr590Asn). This variant is present in population databases (rs138114559, gnomAD 0.01%). This variant has not been reported in the literature in individuals affected with TAF6-related conditions. ClinVar contains an entry for this variant (Variation ID: 1030002). Algorithms developed to predict the effect of missense changes on protein structure and function (SIFT, PolyPhen-2, Align-GVGD) all suggest that this variant is likely to be tolerated. In summary, the available evidence is currently insufficient to determine the role of this variant in disease. Therefore, it has been classified as a Variant of Uncertain Significance.

Baylor Genetics
Classification: Uncertain significance for Alazami-Yuan syndrome. Last evaluated: 2019-04-11. Review status: criteria provided, single submitter. Criteria: ACMG Guidelines, 2015. Collection method: clinical testing. Allele origin: unknown. Affected: yes.
Comment: This variant was determined to be of uncertain significance according to ACMG Guidelines, 2015 [PMID:25741868].